The following is an entry in ClinVar:

ClinVar aggregate classification (germline): Uncertain significance. Review status: criteria provided, multiple submitters, no conflicts (2 of 4 stars). 3 submissions from 3 submitters: Uncertain significance (3). Last evaluated 2022-07-28.

Conditions:
Peroxisome biogenesis disorder 2B (PBD2B). Identifiers: Orphanet 44, MedGen C3550234, MONDO:0008736, OMIM 202370.

Allele frequency attached by ClinVar (database versions not stated): gnomAD below 0.00001 and 0.00006; TOPMed 0.00001; gnomAD exomes 0.00006 and 0.00009; ExAC 0.00007.
gnomAD v4.1: 94 of 1,614,060 alleles (0.0058%); highest among the groups gnomAD compares: South Asian, 0.099%; no homozygotes.

Submissions (3):

Labcorp Genetics (formerly Invitae), Labcorp
Classification: Uncertain significance for Peroxisome biogenesis disorder 2B. Last evaluated: 2022-07-28. Review status: criteria provided, single submitter. Criteria: Invitae Variant Classification Sherloc (09022015). Collection method: clinical testing. Allele origin: germline.
Comment: This sequence change replaces serine, which is neutral and polar, with asparagine, which is neutral and polar, at codon 199 of the PEX5 protein (p.Ser199Asn). This variant is present in population databases (rs750906889, gnomAD 0.07%). This variant has not been reported in the literature in individuals affected with PEX5-related conditions. ClinVar contains an entry for this variant (Variation ID: 598256). Algorithms developed to predict the effect of missense changes on protein structure and function output the following: SIFT: "Tolerated"; PolyPhen-2: "Benign"; Align-GVGD: "Class C0". The asparagine amino acid residue is found in multiple mammalian species, which suggests that this missense change does not adversely affect protein function. In summary, the available evidence is currently insufficient to determine the role of this variant in disease. Therefore, it has been classified as a Variant of Uncertain Significance.

GeneDx
Classification: Uncertain significance. Last evaluated: 2019-07-13. Review status: criteria provided, single submitter. Criteria: GeneDx Variant Classification Process June 2021. Collection method: clinical testing. Allele origin: germline. Affected: yes.
Comment: In silico analysis, which includes protein predictors and evolutionary conservation, supports that this variant does not alter protein structure/function; Has not been previously published as pathogenic or benign to our knowledge

Eurofins Ntd Llc (ga)
Classification: Uncertain significance. Last evaluated: 2018-08-03. Review status: criteria provided, single submitter. Criteria: EGL ClinVar v180209 classification definitions. Collection method: clinical testing. Allele origin: germline. Observed: 1 variant allele, 1 heterozygote.

NM_001351132.2(PEX5):c.596G>A (p.Ser199Asn)

Gene: PEX5 (peroxisomal biogenesis factor 5; plus strand). Cytogenetic location: 12p13.31.
Variant type: single nucleotide variant.
Coding change: c.596G>A on transcript NM_001351132.2 (MANE Select); coding-DNA position 596, G replaced by A.
Protein change: p.Ser199Asn; replaces serine 199 with asparagine.
Molecular consequence: missense variant.
Genome position (GRCh38, 1-based): chr12:7,201,795, G>A. VCF-style: chr12-7201795-G-A. GRCh37 (hg19) VCF-style: chr12-7354391-G-A.
Other names: c.596G>A, p.Ser199Asn (NM_000319.5, NM_001131024.2, NM_001131025.2 and 19 more transcripts); c.641G>A, p.Ser214Asn (NM_001131023.2, NM_001351135.3, NM_001351138.2); short protein forms S199N, S214N.
Identifiers: ClinVar variation 598256 (VCV000598256.13), dbSNP rs750906889, ClinGen allele CA6426200.
Genomic context (GRCh38, chr12:7,201,795, plus strand): 5'-TTCTTACCCGTTCCAGGTATGATGAATATCATCCTGAGGAGGATCTGCAGCACACGGCCA[G>A]TGACTTTGTGGCCAAAGTGGATGACCCCAAATTGGCTAATTCTGAGGTGAGCCACATCCC-3'
Protein context (NP_001338061.1, residues 189-209): HPEEDLQHTA[Ser199Asn]DFVAKVDDPK